The following is an entry in ClinVar:

ClinVar aggregate classification (germline): Likely benign (0 of 4 stars; one submission).

Conditions:
ADSS1-related disorder. Also called: ADSS1-related condition.

Submission:

PreventionGenetics, part of Exact Sciences
Classification: Likely benign for ADSS1-related condition. Last evaluated: 2020-12-15. Review status: no assertion criteria provided. Collection method: clinical testing. Allele origin: germline.
Comment: This variant is classified as likely benign based on ACMG/AMP sequence variant interpretation guidelines (Richards et al. 2015 PMID: 25741868, with internal and published modifications).

NM_152328.5(ADSS1):c.234A>G (p.Lys78=)

Gene: ADSS1 (adenylosuccinate synthase 1; plus strand). Cytogenetic location: 14q32.33.
Variant type: single nucleotide variant.
Coding change: c.234A>G on transcript NM_152328.5 (MANE Select); coding-DNA position 234, A replaced by G.
Protein change: p.Lys78=; no amino-acid change (lysine 78 retained).
Molecular consequence: synonymous variant. On other transcripts: 5 prime UTR variant (1).
Genome position (GRCh38, 1-based): chr14:104,735,061, A>G. VCF-style: chr14-104735061-A-G. GRCh37 (hg19) VCF-style: chr14-105201398-A-G.
Other names: c.-365A>G (NM_001320424.1); c.363A>G, p.Lys121= (NM_199165.2).
Identifiers: ClinVar variation 3036164 (VCV003036164.2), dbSNP rs2140779221, ClinGen allele CA488453109.
Genomic context (GRCh38, chr14:104,735,061, plus strand): 5'-AGCCGGGTTTCTGTTCCAGGGGGGCAACAACGCCGGCCACACGGTGGTGGTGGATGGGAA[A>G]GAGTACGACTTCCACCTGCTGCCCAGCGGCATCATCAACACCAAGGCCGTGTCCTTCATT-3'
Protein context (NP_689541.1, residues 68-88): NAGHTVVVDG[Lys78=]EYDFHLLPSG